The following is an entry in ClinVar:

ClinVar aggregate classification (germline): Pathogenic/Likely pathogenic. Review status: criteria provided, multiple submitters, no conflicts (2 of 4 stars). 2 submissions from 2 submitters: Pathogenic (1); Likely pathogenic (1). Last evaluated 2019-09-13.

Conditions:
Exostoses, multiple, type 2 (EXT2). Also called: Hereditary Multiple Osteochondromatosis, Type II; EXOSTOSES, MULTIPLE, TYPE II. Identifiers: Orphanet 321, MedGen C1851413, MONDO:0007586, OMIM 133701.

Submissions (2):

Labcorp Genetics (formerly Invitae), Labcorp
Classification: Pathogenic for Exostoses, multiple, type 2. Last evaluated: 2019-09-13. Review status: criteria provided, single submitter. Criteria: Invitae Variant Classification Sherloc (09022015). Collection method: clinical testing. Allele origin: germline.
Comment: For these reasons, this variant has been classified as Pathogenic. Algorithms developed to predict the effect of missense changes on protein structure and function are either unavailable or do not agree on the potential impact of this missense change (SIFT: "Deleterious"; PolyPhen-2: "Probably Damaging"; Align-GVGD: "Class C0"). This variant has been observed in several individuals affected with multiple osteochondromatosis (PMID: 30334991, 19839753, Invitae). This variant is not present in population databases (ExAC no frequency). This sequence change replaces cysteine with tyrosine at codon 339 of the EXT2 protein (p.Cys339Tyr). The cysteine residue is highly conserved and there is a large physicochemical difference between cysteine and tyrosine.

Juno Genomics, Hangzhou Juno Genomics, Inc
Classification: Likely pathogenic for Exostoses, multiple, type 2. Review status: criteria provided, single submitter. Criteria: ACMG Guidelines, 2015. Collection method: clinical testing. Allele origin: germline. Affected: yes.
Comment: Absent from controls (or at extremely low frequency if recessive) in Genome Aggregation Database, Exome Sequencing Project, 1000 Genomes Project, or Exome Aggregation Consortium.;The prevalence of the variant in affected individuals is significantly increased compared to the prevalence in controls.;Patient's phenotype or family history is highly specific for a disease with a single genetic etiology.;Multiple lines of computational evidence support a deleterious effect on the gene or gene product (conservation, evolutionary, splicing impact, etc).

Literature cited by the submitters: PubMed 30334991 (cited by Labcorp Genetics (formerly Invitae), Labcorp); PubMed 19839753 (cited by Labcorp Genetics (formerly Invitae), Labcorp).

NM_207122.2(EXT2):c.1016G>A (p.Cys339Tyr)

Gene: EXT2 (exostosin glycosyltransferase 2; plus strand). Cytogenetic location: 11p11.2.
Variant type: single nucleotide variant.
Coding change: c.1016G>A on transcript NM_207122.2 (MANE Select); coding-DNA position 1016, G replaced by A.
Protein change: p.Cys339Tyr; replaces cysteine 339 with tyrosine.
Molecular consequence: missense variant.
Genome position (GRCh38, 1-based): chr11:44,126,892, G>A. VCF-style: chr11-44126892-G-A. GRCh37 (hg19) VCF-style: chr11-44148442-G-A.
Other names: c.1115G>A, p.Cys372Tyr (NM_000401.3); c.1016G>A, p.Cys339Tyr (NM_001178083.3, NM_001389628.1, NM_001389630.1); short protein forms C372Y, C339Y.
Identifiers: ClinVar variation 936157 (VCV000936157.12), dbSNP rs751598619, ClinGen allele CA380169041.
Genomic context (GRCh38, chr11:44,126,892, plus strand): 5'-TGGTTCTTCGTGGAGCTCGGCTGGGCCAGGCAGTATTGAGCGATGTGTTACAAGCTGGCT[G>A]TGTCCCGGTTGTCATTGCAGACTCCTATATTTTGCCTTTCTCTGAAGTTCTTGACTGGAA-3'
Protein context (NP_997005.1, residues 329-349): AVLSDVLQAG[Cys339Tyr]VPVVIADSYI